The following is an entry in ClinVar:

NM_000263.4(NAGLU):c.28G>A (p.Val10Met)

Genes: NAGLU (N-acetyl-alpha-glucosaminidase; plus strand), LOC130060903 (ATAC-STARR-seq lymphoblastoid silent region 8533; plus strand). Cytogenetic location: 17q21.2.
Variant type: single nucleotide variant.
Coding change: c.28G>A on transcript NM_000263.4 (MANE Select); coding-DNA position 28, G replaced by A.
Protein change: p.Val10Met; replaces valine 10 with methionine.
Molecular consequence: missense variant.
Genome position (GRCh38, 1-based): chr17:42,536,300, G>A. VCF-style: chr17-42536300-G-A. GRCh37 (hg19) VCF-style: chr17-40688318-G-A.
Other names: c.28G>A (NM_000263.3); short protein forms V10M.
Identifiers: ClinVar variation 1021145 (VCV001021145.3), dbSNP rs1248922504, ClinGen allele CA399594958.

ClinVar aggregate classification (germline): Uncertain significance. Review status: criteria provided, multiple submitters, no conflicts (2 of 4 stars). 2 submissions from 2 submitters: Uncertain significance (2). Last evaluated 2025-06-06.

Conditions:
Inborn genetic diseases. Identifiers: MedGen C0950123, MeSH D030342.
Mucopolysaccharidosis, MPS-III-B (MPS3B). Also called: MPS IIIB (Sanfilippo Syndrome Type B); MUCOPOLYSACCHARIDOSIS, TYPE IIIB; Mucopolysaccharidosis type IIIB (Sanfilippo B); N-ACETYL-ALPHA-D-GLUCOSAMINIDASE DEFICIENCY; NAGLU DEFICIENCY; SANFILIPPO SYNDROME B. Identifiers: Orphanet 79270, MedGen C0086648, MONDO:0009656, OMIM 252920.
Charcot-Marie-Tooth disease axonal type 2V. Also called: CHARCOT-MARIE-TOOTH NEUROPATHY, TYPE 2V; CHARCOT-MARIE-TOOTH DISEASE, AXONAL, AUTOSOMAL DOMINANT, TYPE 2V. Identifiers: Orphanet 447964, MedGen C5569050, MONDO:0014665, OMIM 616491.

Allele frequency attached by ClinVar (database versions not stated): gnomAD 0.00001.

Submissions (2):

Ambry Genetics
Classification: Uncertain significance for Inborn genetic diseases. Last evaluated: 2025-06-06. Review status: criteria provided, single submitter. Criteria: Ambry Variant Classification Scheme 2023. Collection method: clinical testing. Allele origin: germline.

Labcorp Genetics (formerly Invitae), Labcorp
Classification: Uncertain significance for Charcot-Marie-Tooth disease axonal type 2V; Mucopolysaccharidosis, MPS-III-B. Last evaluated: 2021-10-28. Review status: criteria provided, single submitter. Criteria: Invitae Variant Classification Sherloc (09022015). Collection method: clinical testing. Allele origin: germline.
Comment: This sequence change replaces valine, which is neutral and non-polar, with methionine, which is neutral and non-polar, at codon 10 of the NAGLU protein (p.Val10Met). This variant is not present in population databases (gnomAD no frequency). This variant has not been reported in the literature in individuals affected with NAGLU-related conditions. ClinVar contains an entry for this variant (Variation ID: 1021145). Advanced modeling of protein sequence and biophysical properties (such as structural, functional, and spatial information, amino acid conservation, physicochemical variation, residue mobility, and thermodynamic stability) performed at Invitae indicates that this missense variant is not expected to disrupt NAGLU protein function. In summary, the available evidence is currently insufficient to determine the role of this variant in disease. Therefore, it has been classified as a Variant of Uncertain Significance.